The following is an entry in ClinVar:

NM_000321.3(RB1):c.2554G>T (p.Val852Leu)

Gene: RB1 (RB transcriptional corepressor 1; plus strand). Cytogenetic location: 13q14.2.
Variant type: single nucleotide variant.
Coding change: c.2554G>T on transcript NM_000321.3 (MANE Select); coding-DNA position 2554, G replaced by T.
Protein change: p.Val852Leu; replaces valine 852 with leucine.
Molecular consequence: missense variant.
Genome position (GRCh38, 1-based): chr13:48,476,734, G>T. VCF-style: chr13-48476734-G-T. GRCh37 (hg19) VCF-style: chr13-49050870-G-T.
Other names: c.2554G>T, p.Val852Leu (NM_001407165.1); c.4G>T, p.Val2Leu (NM_001407168.1); short protein forms V852L, V2L.
Identifiers: ClinVar variation 4151157 (VCV004151157.2).

ClinVar aggregate classification (germline): Uncertain significance. Review status: criteria provided, multiple submitters, no conflicts (2 of 4 stars). 2 submissions from 2 submitters: Uncertain significance (2). Last evaluated 2025-11-04.

Conditions:
Hereditary cancer-predisposing syndrome. Also called: Hereditary neoplastic syndrome; Neoplastic Syndromes, Hereditary; Tumor predisposition; Hereditary Cancer Syndrome. Identifiers: Orphanet 140162, MedGen C0027672, MeSH D009386, MONDO:0015356.
Retinoblastoma (RB1). Also called: RETINOBLASTOMA, SOMATIC. Identifiers: Orphanet 790, MedGen C0035335, MeSH D012175, MONDO:0008380, OMIM 180200, HP:0009919. Disease mechanism: loss of function. Inheritance: Both sporadic and heritable forms are tested..

Submissions (2):

Labcorp Genetics (formerly Invitae), Labcorp
Classification: Uncertain significance for Retinoblastoma. Last evaluated: 2025-11-04. Review status: criteria provided, single submitter. Criteria: Invitae Variant Classification Sherloc (09022015). Collection method: clinical testing. Allele origin: germline.
Comment: This sequence change replaces valine, which is neutral and non-polar, with leucine, which is neutral and non-polar, at codon 852 of the RB1 protein (p.Val852Leu). This variant is not present in population databases (gnomAD no frequency). This variant has not been reported in the literature in individuals affected with RB1-related conditions. ClinVar contains an entry for this variant (Variation ID: 4151157). Invitae Evidence Modeling of protein sequence and biophysical properties (such as structural, functional, and spatial information, amino acid conservation, physicochemical variation, residue mobility, and thermodynamic stability) indicates that this missense variant is not expected to disrupt RB1 protein function with a negative predictive value of 80%. In summary, the available evidence is currently insufficient to determine the role of this variant in disease. Therefore, it has been classified as a Variant of Uncertain Significance.

Ambry Genetics
Classification: Uncertain significance for Hereditary cancer-predisposing syndrome. Last evaluated: 2025-07-04. Review status: criteria provided, single submitter. Criteria: Ambry Variant Classification Scheme 2023. Collection method: clinical testing. Allele origin: germline.
Comment: The p.V852L variant (also known as c.2554G>T), located in coding exon 25 of the RB1 gene, results from a G to T substitution at nucleotide position 2554. The valine at codon 852 is replaced by leucine, an amino acid with highly similar properties. This amino acid position is well conserved in available vertebrate species. In addition, this alteration is predicted to be tolerated by in silico analysis. Based on the available evidence, the clinical significance of this variant remains unclear.